The following is an entry in ClinVar:

ClinVar aggregate classification (germline): Uncertain significance. Review status: criteria provided, multiple submitters, no conflicts (2 of 4 stars). 2 submissions from 2 submitters: Uncertain significance (2). Last evaluated 2024-08-14.

Submissions (2):

Labcorp Genetics (formerly Invitae), Labcorp
Classification: Uncertain significance. Last evaluated: 2024-08-14. Review status: criteria provided, single submitter. Criteria: Invitae Variant Classification Sherloc (09022015). Collection method: clinical testing. Allele origin: germline.
Comment: This sequence change replaces phenylalanine, which is neutral and non-polar, with cysteine, which is neutral and slightly polar, at codon 95 of the KCNH1 protein (p.Phe95Cys). This variant is not present in population databases (gnomAD no frequency). This variant has not been reported in the literature in individuals affected with KCNH1-related conditions. ClinVar contains an entry for this variant (Variation ID: 806342). Invitae Evidence Modeling of protein sequence and biophysical properties (such as structural, functional, and spatial information, amino acid conservation, physicochemical variation, residue mobility, and thermodynamic stability) indicates that this missense variant is expected to disrupt KCNH1 protein function with a positive predictive value of 95%. In summary, the available evidence is currently insufficient to determine the role of this variant in disease. Therefore, it has been classified as a Variant of Uncertain Significance.

CeGaT Center for Human Genetics Tuebingen
Classification: Uncertain significance. Last evaluated: 2018-07-01. Review status: criteria provided, single submitter. Criteria: CeGaT Center For Human Genetics Tuebingen Variant Classification Criteria Version 2. Collection method: clinical testing. Allele origin: germline. Affected: yes. Observed: 1 variant allele.

NM_172362.3(KCNH1):c.284T>G (p.Phe95Cys)

Gene: KCNH1 (potassium voltage-gated channel subfamily H member 1; minus strand). Cytogenetic location: 1q32.2.
Variant type: single nucleotide variant.
Coding change: c.284T>G on transcript NM_172362.3 (MANE Select); coding-DNA position 284, T replaced by G.
Protein change: p.Phe95Cys; replaces phenylalanine 95 with cysteine.
Molecular consequence: missense variant.
Genome position (GRCh38, 1-based): chr1:211,103,522, A>C on the plus strand (T>G on the coding strand, the complement: KCNH1 is on the minus strand). VCF-style: chr1-211103522-A-C. GRCh37 (hg19) VCF-style: chr1-211276864-A-C.
Other names: c.284T>G, p.Phe95Cys (NM_002238.4); short protein forms F95C.
Identifiers: ClinVar variation 806342 (VCV000806342.44), dbSNP rs1571649012, ClinGen allele CA344873533.